The following is an entry in ClinVar:

NM_020778.5(ALPK3):c.2720G>A (p.Ser907Asn)

Gene: ALPK3 (alpha kinase 3; plus strand). Cytogenetic location: 15q25.3.
Variant type: single nucleotide variant.
Coding change: c.2720G>A on transcript NM_020778.5 (MANE Select); coding-DNA position 2720, G replaced by A.
Protein change: p.Ser907Asn; replaces serine 907 with asparagine.
Molecular consequence: missense variant.
Genome position (GRCh38, 1-based): chr15:84,857,458, G>A. VCF-style: chr15-84857458-G-A. GRCh37 (hg19) VCF-style: chr15-85400689-G-A.
Other names: short protein forms S907N.
Identifiers: ClinVar variation 2769709 (VCV002769709.3), dbSNP rs1174408859, ClinGen allele CA393358148.

ClinVar aggregate classification (germline): Uncertain significance (1 of 4 stars; one submission).

Allele frequency attached by ClinVar (database versions not stated): TOPMed below 0.00001.

Submission:

Labcorp Genetics (formerly Invitae), Labcorp
Classification: Uncertain significance. Last evaluated: 2023-10-18. Review status: criteria provided, single submitter. Criteria: Invitae Variant Classification Sherloc (09022015). Collection method: clinical testing. Allele origin: germline.
Comment: This sequence change replaces serine, which is neutral and polar, with asparagine, which is neutral and polar, at codon 1109 of the ALPK3 protein (p.Ser1109Asn). This variant is not present in population databases (gnomAD no frequency). This variant has not been reported in the literature in individuals affected with ALPK3-related conditions. Advanced modeling of protein sequence and biophysical properties (such as structural, functional, and spatial information, amino acid conservation, physicochemical variation, residue mobility, and thermodynamic stability) performed at Invitae indicates that this missense variant is not expected to disrupt ALPK3 protein function. In summary, the available evidence is currently insufficient to determine the role of this variant in disease. Therefore, it has been classified as a Variant of Uncertain Significance.